The following is an entry in ClinVar:

NM_000533.5(PLP1):c.354del (p.Gly120fs)

Genes: PLP1 (proteolipid protein 1; plus strand), RAB9B (RAB9B, member RAS oncogene family; minus strand). Cytogenetic location: Xq22.2.
Variant type: Deletion.
Coding change: c.354del on transcript NM_000533.5 (MANE Select); coding-DNA position 354, one base deleted (A; older notation c.354delA).
Protein change: p.Gly120fs; shifts the reading frame from glycine 120.
Molecular consequence: frameshift variant. On other transcripts: intron variant (1).
Genome position (GRCh38, 1-based): chrX:103,786,627, A deleted. VCF-style (leftmost placement, unchanged base first): chrX-103786626-CA-C. GRCh37 (hg19) VCF-style: chrX-103041555-CA-C.
Other names: c.354del, p.Gly120fs (NM_001128834.3); c.189del, p.Gly65fs (NM_001305004.1); c.348+6del (NM_199478.3); short protein forms G120fs, G65fs.
Identifiers: ClinVar variation 1695310 (VCV001695310.31), dbSNP rs2147764477, ClinGen allele CA2580100117.

ClinVar aggregate classification (germline): Pathogenic (1 of 4 stars; one submission).

Submission:

CeGaT Center for Human Genetics Tuebingen
Classification: Pathogenic. Last evaluated: 2022-06-01. Review status: criteria provided, single submitter. Criteria: CeGaT Center For Human Genetics Tuebingen Variant Classification Criteria Version 2. Collection method: clinical testing. Allele origin: germline. Affected: yes. Observed: 1 variant allele.
Comment: PLP1: PVS1, PM2